The following is an entry in ClinVar:

ClinVar aggregate classification (germline): Benign/Likely benign. Review status: criteria provided, multiple submitters, no conflicts (2 of 4 stars). 10 submissions from 6 submitters: Benign (8); Likely benign (1). 1 of the submissions does not count toward it. Last evaluated 2026-02-02.

Conditions:
Achondrogenesis, type IB (ACG1B). Also called: Achondrogenesis Type 1B. Identifiers: Orphanet 932, Orphanet 93298, MedGen C0265274, MONDO:0010966, OMIM 600972.
Atelosteogenesis type II (AO2). Also called: SLC26A2-Related Atelosteogenesis; NEONATAL OSSEOUS DYSPLASIA I; Neonatal osseous dysplasia 1. Identifiers: Orphanet 56304, MedGen C1850554, MONDO:0009727, OMIM 256050.
Multiple epiphyseal dysplasia type 4 (EDM4). Also called: Multiple Epiphyseal Dysplasia, Recessive; MULTIPLE EPIPHYSEAL DYSPLASIA WITH BILAYERED PATELLAE; MULTIPLE EPIPHYSEAL DYSPLASIA WITH CLUBFOOT; MULTIPLE EPIPHYSEAL DYSPLASIA, AUTOSOMAL RECESSIVE; SLC26A2-Related Multiple Epiphyseal Dysplasia. Identifiers: Orphanet 93307, MedGen C1847593, MONDO:0009189, OMIM 226900.
Diastrophic dysplasia (DTD). Also called: Diastrophic dwarfism. Identifiers: Orphanet 628, MedGen C0220726, MONDO:0009107, OMIM 222600.
Sulfate transporter-related osteochondrodysplasia. Also called: DTDST-related dysplasias. Identifiers: MedGen CN120497. Disease mechanism: loss of function.

Allele frequency attached by ClinVar (database versions not stated): gnomAD 0.00017 and 0.00137; TOPMed 0.00031; gnomAD exomes 0.00454; ExAC 0.00505; 1000 Genomes Project 30x 0.00890; 1000 Genomes Project 0.00998.
gnomAD v4.1: 3,414 of 1,614,124 alleles (0.21%); highest among the groups gnomAD compares: South Asian, 3.4%; 70 homozygotes.

Submissions (10):

Labcorp Genetics (formerly Invitae), Labcorp
Classification: Benign for Atelosteogenesis type II; Multiple epiphyseal dysplasia type 4; Achondrogenesis, type IB; Diastrophic dysplasia. Last evaluated: 2026-02-02. Review status: criteria provided, single submitter. Criteria: Invitae Variant Classification Sherloc (09022015). Collection method: clinical testing. Allele origin: germline.

ARUP Laboratories, Molecular Genetics and Genomics, ARUP Laboratories
Classification: Benign. Last evaluated: 2023-11-03. Review status: criteria provided, single submitter. Criteria: ARUP Molecular Germline Variant Investigation Process 2024. Collection method: clinical testing. Allele origin: germline.

Illumina Laboratory Services, Illumina
Classification: Benign for Achondrogenesis, type IB. Last evaluated: 2018-01-12. Review status: criteria provided, single submitter. Criteria: ICSL Variant Classification Criteria 13 December 2019. Collection method: clinical testing. Allele origin: germline.
Comment: This variant was observed in the ICSL laboratory as part of a predisposition screen in an ostensibly healthy population. It had not been previously curated by ICSL or reported in the Human Gene Mutation Database (HGMD: prior to June 1st, 2018), and was therefore a candidate for classification through an automated scoring system. Utilizing variant allele frequency, disease prevalence and penetrance estimates, and inheritance mode, an automated score was calculated to assess if this variant is too frequent to cause the disease. Based on the score and internal cut-off values, a variant classified as benign is not then subjected to further curation. The score for this variant resulted in a classification of benign for this disease.

Illumina Laboratory Services, Illumina
Classification: Benign for Diastrophic dysplasia. Last evaluated: 2018-01-12. Review status: criteria provided, single submitter. Criteria: ICSL Variant Classification Criteria 13 December 2019. Collection method: clinical testing. Allele origin: germline.
Comment: the same text as in the submission from Illumina Laboratory Services, Illumina above.

Illumina Laboratory Services, Illumina
Classification: Likely benign for Osteochondrodysplasia. Last evaluated: 2018-01-12. Review status: criteria provided, single submitter. Criteria: ICSL Variant Classification Criteria 13 December 2019. Collection method: clinical testing. Allele origin: germline.
Comment: This variant was observed in the ICSL laboratory as part of a predisposition screen in an ostensibly healthy population. It had not been previously curated by ICSL or reported in the Human Gene Mutation Database (HGMD: prior to June 1st, 2018), and was therefore a candidate for classification through an automated scoring system. Utilizing variant allele frequency, disease prevalence and penetrance estimates, and inheritance mode, an automated score was calculated to assess if this variant is too frequent to cause the disease. Based on the score and internal cut-off values, a variant classified as likely benign is not then subjected to further curation. The score for this variant resulted in a classification of likely benign for this disease.

Illumina Laboratory Services, Illumina
Classification: Benign for Atelosteogenesis type II. Last evaluated: 2018-01-12. Review status: criteria provided, single submitter. Criteria: ICSL Variant Classification Criteria 13 December 2019. Collection method: clinical testing. Allele origin: germline.
Comment: the same text as in the submission from Illumina Laboratory Services, Illumina above.

Illumina Laboratory Services, Illumina
Classification: Benign for Multiple epiphyseal dysplasia type 4. Last evaluated: 2018-01-12. Review status: criteria provided, single submitter. Criteria: ICSL Variant Classification Criteria 13 December 2019. Collection method: clinical testing. Allele origin: germline.
Comment: the same text as in the submission from Illumina Laboratory Services, Illumina above.

GeneDx
Classification: Benign. Last evaluated: 2017-09-02. Review status: criteria provided, single submitter. Criteria: GeneDx Variant Classification (06012015). Collection method: clinical testing. Allele origin: germline. Affected: yes.
Comment: This variant is considered likely benign or benign based on one or more of the following criteria: it is a conservative change, it occurs at a poorly conserved position in the protein, it is predicted to be benign by multiple in silico algorithms, and/or has population frequency not consistent with disease.

Eurofins Ntd Llc (ga)
Classification: Benign. Last evaluated: 2015-10-09. Review status: criteria provided, single submitter. Criteria: EGL Classification Definitions 2015. Collection method: clinical testing. Allele origin: germline. Observed: 1 variant allele, 1 heterozygote.

Natera, Inc.
Classification: Benign for Achondrogenesis type IB. Last evaluated: 2020-09-16. Review status: no assertion criteria provided. Collection method: clinical testing. Allele origin: germline. Not counted in ClinVar's aggregate classification.

NM_000112.4(SLC26A2):c.1410A>G (p.Val470=)

Gene: SLC26A2 (solute carrier family 26 member 2; plus strand). Cytogenetic location: 5q32.
Variant type: single nucleotide variant.
Coding change: c.1410A>G on transcript NM_000112.4 (MANE Select); coding-DNA position 1410, A replaced by G.
Protein change: p.Val470=; no amino-acid change (valine 470 retained).
Molecular consequence: synonymous variant.
Genome position (GRCh38, 1-based): chr5:149,981,003, A>G. VCF-style: chr5-149981003-A-G. GRCh37 (hg19) VCF-style: chr5-149360566-A-G.
Identifiers: ClinVar variation 281117 (VCV000281117.28), dbSNP rs115777661, ClinGen allele CA3505431.